The following is an entry in ClinVar:

ClinVar aggregate classification (germline): Benign/Likely benign. Review status: criteria provided, multiple submitters, no conflicts (2 of 4 stars). 3 submissions from 3 submitters: Benign (1); Likely benign (2). Last evaluated 2025-11-24.

Conditions:
Hereditary cancer-predisposing syndrome. Also called: Neoplastic Syndromes, Hereditary; Hereditary neoplastic syndrome; Tumor predisposition; Hereditary Cancer Syndrome. Identifiers: Orphanet 140162, MedGen C0027672, MeSH D009386, MONDO:0015356.
Familial cancer of breast. Also called: hereditary breast carcinoma; Hereditary breast cancer; BREAST CANCER, FAMILIAL. Identifiers: Orphanet 227535, MedGen C0346153, MONDO:0016419, OMIM 114480. Disease mechanism: loss of function.

Submissions (3):

Labcorp Genetics (formerly Invitae), Labcorp
Classification: Likely benign for Familial cancer of breast. Last evaluated: 2025-11-24. Review status: criteria provided, single submitter. Criteria: Invitae Variant Classification Sherloc (09022015). Collection method: clinical testing. Allele origin: germline.

Myriad Genetics, Inc.
Classification: Benign for Familial cancer of breast. Last evaluated: 2024-07-24. Review status: criteria provided, single submitter. Criteria: Myriad Autosomal Dominant, Autosomal Recessive and X-Linked Classification Criteria (2023). Collection method: clinical testing. Allele origin: unknown.
Comment: This variant is considered benign. This variant is a silent/synonymous amino acid change and it is not expected to impact splicing.

Ambry Genetics
Classification: Likely benign for Hereditary cancer-predisposing syndrome. Last evaluated: 2019-10-13. Review status: criteria provided, single submitter. Criteria: Ambry Variant Classification Scheme 2023. Collection method: clinical testing. Allele origin: germline.

NM_000465.4(BARD1):c.1266G>T (p.Val422=)

Gene: BARD1 (BRCA1 associated RING domain 1; minus strand). Cytogenetic location: 2q35.
Variant type: single nucleotide variant.
Coding change: c.1266G>T on transcript NM_000465.4 (MANE Select); coding-DNA position 1266, G replaced by T.
Protein change: p.Val422=; no amino-acid change (valine 422 retained).
Molecular consequence: synonymous variant. On other transcripts: non-coding transcript variant (2), intron variant (3).
Genome position (GRCh38, 1-based): chr2:214,780,608, C>A on the plus strand (G>T on the coding strand, the complement: BARD1 is on the minus strand). VCF-style: chr2-214780608-C-A. GRCh37 (hg19) VCF-style: chr2-215645332-C-A.
Other names: c.1209G>T, p.Val403= (NM_001282543.2); c.159-28053G>T (NM_001282548.2); c.215+16453G>T (NM_001282545.2); c.364+11689G>T (NM_001282549.2).
Identifiers: ClinVar variation 796110 (VCV000796110.15), dbSNP rs1574816160, ClinGen allele CA431391168.